The following is an entry in ClinVar:

NM_001367624.2(ZNF469):c.5660_5661delinsTG (p.Thr1887Met)

Gene: ZNF469 (zinc finger protein 469; plus strand). Cytogenetic location: 16q24.2.
Variant type: Indel.
Coding change: c.5660_5661delinsTG on transcript NM_001367624.2 (MANE Select); coding-DNA positions 5660 to 5661, CC replaced by TG.
Protein change: p.Thr1887Met; replaces threonine 1887 with methionine.
Molecular consequence: missense variant.
Genome position (GRCh38, 1-based): chr16:88,433,130-88,433,131, CC replaced by TG. VCF-style: chr16-88433130-CC-TG. GRCh37 (hg19) VCF-style: chr16-88499538-CC-TG.
Other names: NM_001127464.1:c.5576_5577delCCinsTG; short protein forms T1887M.
Identifiers: ClinVar variation 1969337 (VCV001969337.5), dbSNP rs1555519640, ClinGen allele CA2580092241.

ClinVar aggregate classification (germline): Uncertain significance. Review status: criteria provided, multiple submitters, no conflicts (2 of 4 stars). 2 submissions from 2 submitters: Uncertain significance (2). Last evaluated 2026-01-21.

Conditions:
Cardiovascular phenotype. Identifiers: MedGen CN230736.

Submissions (2):

Labcorp Genetics (formerly Invitae), Labcorp
Classification: Uncertain significance. Last evaluated: 2026-01-21. Review status: criteria provided, single submitter. Criteria: Invitae Variant Classification Sherloc (09022015). Collection method: clinical testing. Allele origin: germline.
Comment: This sequence change replaces threonine, which is neutral and polar, with methionine, which is neutral and non-polar, at codon 1859 of the ZNF469 protein (p.Thr1859Met). The frequency data for this variant in the population databases is considered unreliable, as metrics indicate poor data quality at this position in the gnomAD database. This variant has not been reported in the literature in individuals affected with ZNF469-related conditions. ClinVar contains an entry for this variant (Variation ID: 1969337). An algorithm developed to predict the effect of missense changes on protein structure and function (PolyPhen-2) suggests that this variant is likely to be disruptive. In summary, the available evidence is currently insufficient to determine the role of this variant in disease. Therefore, it has been classified as a Variant of Uncertain Significance.

Ambry Genetics
Classification: Uncertain significance for Cardiovascular phenotype. Last evaluated: 2024-09-27. Review status: criteria provided, single submitter. Criteria: Ambry Variant Classification Scheme 2023. Collection method: clinical testing. Allele origin: germline.
Comment: The c.5576_5577delCCinsTG variant, located in coding exon 2 of the ZNF469 gene, results from an in-frame deletion of CC and insertion of TG at nucleotide positions 5576 to 5577. This results in the substitution of the threonine residue for a methionine residue at codon 1859, an amino acid with similar properties. Based on data from gnomAD, the TG alleles have an overall frequency of 0.001956% (3/153350) total alleles studied. The highest observed frequency was 0.004391% (1/22772) of South Asian alleles. This amino acid position is poorly conserved in available vertebrate species. In addition, this alteration is predicted to be neutral by in silico analysis (Choi Y et al. PLoS ONE. 2012; 7(10):e46688). Based on the available evidence, the clinical significance of this variant remains unclear.